The following is an entry in ClinVar:

ClinVar aggregate classification (germline): Uncertain significance (1 of 4 stars; one submission).

Submission:

Centre of Medical Genetics, University Hospital Muenster
Classification: Uncertain significance. Last evaluated: 2022-09-30. Review status: criteria provided, single submitter. Criteria: ACMG Guidelines, 2015. Collection method: clinical testing. Allele origin: unknown. Affected: yes. Observed: 1 variant allele.
Comment: ACMG categories: PM1,PM2,PP3

NM_000489.6(ATRX):c.707A>G (p.His236Arg)

Gene: ATRX (ATRX chromatin remodeler; minus strand). Cytogenetic location: Xq21.1.
Variant type: single nucleotide variant.
Coding change: c.707A>G on transcript NM_000489.6 (MANE Select); coding-DNA position 707, A replaced by G.
Protein change: p.His236Arg; replaces histidine 236 with arginine.
Molecular consequence: missense variant.
Genome position (GRCh38, 1-based): chrX:77,684,549, T>C on the plus strand (A>G on the coding strand, the complement: ATRX is on the minus strand). VCF-style: chrX-77684549-T-C. GRCh37 (hg19) VCF-style: chrX-76940041-T-C.
Other names: c.593A>G, p.His198Arg (NM_138270.5); short protein forms H198R, H236R.
Identifiers: ClinVar variation 1708422 (VCV001708422.2), dbSNP rs2520028466, ClinGen allele CA413720846.